The following is an entry in ClinVar:

NM_001036.6(RYR3):c.3328C>A (p.Pro1110Thr)

Gene: RYR3 (ryanodine receptor 3; plus strand). Cytogenetic location: 15q14.
Variant type: single nucleotide variant.
Coding change: c.3328C>A on transcript NM_001036.6 (MANE Select); coding-DNA position 3328, C replaced by A.
Protein change: p.Pro1110Thr; replaces proline 1110 with threonine.
Molecular consequence: missense variant.
Genome position (GRCh38, 1-based): chr15:33,635,766, C>A. VCF-style: chr15-33635766-C-A. GRCh37 (hg19) VCF-style: chr15-33927967-C-A.
Other names: c.3328C>A (NM_001036.3); c.3328C>A, p.Pro1110Thr (NM_001243996.4); short protein forms P1110T.
Identifiers: ClinVar variation 1037469 (VCV001037469.10), dbSNP rs201820155, ClinGen allele CA7458659.
Genomic context (GRCh38, chr15:33,635,766, plus strand): 5'-GAGTTTGAAGTGGTGACTGGAGGAGACATGCGAGTCGGCTGGGCGAGGCCAGGCTGTCGA[C>A]CTGATGTCGAGCTGGGGGCCGATGACCAAGCCTTTGTGTTTGAAGGCAACAGGGTGAGTT-3'
Protein context (NP_001027.3, residues 1100-1120): RVGWARPGCR[Pro1110Thr]DVELGADDQA

ClinVar aggregate classification (germline): Uncertain significance. Review status: criteria provided, multiple submitters, no conflicts (2 of 4 stars). 2 submissions from 2 submitters: Uncertain significance (2). Last evaluated 2023-11-09.

Conditions:
Epileptic encephalopathy. Identifiers: MedGen C0543888, HP:0200134.

Allele frequency attached by ClinVar (database versions not stated): gnomAD exomes below 0.00001 and 0.00001; ExAC 0.00001; gnomAD 0.00006; TOPMed 0.00011; 1000 Genomes Project 0.00020; 1000 Genomes Project 30x 0.00031.
gnomAD v4.1: 11 of 1,613,798 alleles (0.00068%); highest among the groups gnomAD compares: Admixed American, 0.017%; 1 homozygote.

Submissions (2):

Ambry Genetics
Classification: Uncertain significance. Last evaluated: 2023-11-09. Review status: criteria provided, single submitter. Criteria: Ambry Variant Classification Scheme 2023. Collection method: clinical testing. Allele origin: germline.

Labcorp Genetics (formerly Invitae), Labcorp
Classification: Uncertain significance for Epileptic encephalopathy. Last evaluated: 2020-06-04. Review status: criteria provided, single submitter. Criteria: Invitae Variant Classification Sherloc (09022015). Collection method: clinical testing. Allele origin: germline.
Comment: In summary, the available evidence is currently insufficient to determine the role of this variant in disease. Therefore, it has been classified as a Variant of Uncertain Significance. Algorithms developed to predict the effect of missense changes on protein structure and function (SIFT, PolyPhen-2, Align-GVGD) all suggest that this variant is likely to be disruptive, but these predictions have not been confirmed by published functional studies and their clinical significance is uncertain. This variant has not been reported in the literature in individuals with RYR3-related conditions. This variant is present in population databases (rs201820155, ExAC 0.009%). This sequence change replaces proline with threonine at codon 1110 of the RYR3 protein (p.Pro1110Thr). The proline residue is highly conserved and there is a small physicochemical difference between proline and threonine.